The following is an entry in ClinVar:

ClinVar aggregate classification (germline): Conflicting classifications of pathogenicity. Review status: criteria provided, conflicting classifications (1 of 4 stars). 5 submissions from 5 submitters: Uncertain significance (4); Likely benign (1). Last evaluated 2024-07-10.

Conditions:
Inborn genetic diseases. Identifiers: MedGen C0950123, MeSH D030342.
Intellectual developmental disorder, autosomal recessive 3. Also called: Intellectual disability, autosomal recessive 3. Identifiers: Orphanet 88616, MedGen C1838023, MONDO:0012037, OMIM 608443.

Allele frequency attached by ClinVar (database versions not stated): gnomAD exomes 0.00017 and 0.00033; ExAC 0.00018; TOPMed 0.00023; gnomAD 0.00024; ESP Exome Variant Server 0.00082.
gnomAD v4.1: 532 of 1,612,576 alleles (0.033%); highest among the groups gnomAD compares: Non-Finnish European, 0.042%; 2 homozygotes.

Submissions (5):

Blueprint Genetics
Classification: Uncertain significance. Last evaluated: 2024-07-10. Review status: criteria provided, single submitter. Criteria: ACMG Guidelines, 2015. Collection method: clinical testing. Allele origin: germline.

GeneDx
Classification: Uncertain significance. Last evaluated: 2022-09-29. Review status: criteria provided, single submitter. Criteria: GeneDx Variant Classification Process June 2021. Collection method: clinical testing. Allele origin: germline. Affected: yes.
Comment: In silico analysis supports that this missense variant has a deleterious effect on protein structure/function; Has not been previously published as pathogenic or benign to our knowledge

Ambry Genetics
Classification: Likely benign for Inborn genetic diseases. Last evaluated: 2022-05-25. Review status: criteria provided, single submitter. Criteria: Ambry Variant Classification Scheme 2023. Collection method: clinical testing. Allele origin: germline.

Fulgent Genetics
Classification: Uncertain significance for Intellectual developmental disorder, autosomal recessive 3. Last evaluated: 2018-10-31. Review status: criteria provided, single submitter. Criteria: ACMG Guidelines, 2015. Collection method: clinical testing. Allele origin: unknown.

Genetic Services Laboratory, University of Chicago
Classification: Uncertain significance. Last evaluated: 2014-12-01. Review status: criteria provided, single submitter. Criteria: ACMG Guidelines, 2015. Collection method: clinical testing. Allele origin: germline.

Literature cited by the submitters: PubMed 28518168 (cited by Ambry Genetics); PubMed 32461654 (cited by Ambry Genetics).

NM_017721.5(CC2D1A):c.2764C>T (p.Arg922Cys)

Gene: CC2D1A (coiled-coil and C2 domain containing 1A; plus strand). Cytogenetic location: 19p13.12.
Variant type: single nucleotide variant.
Coding change: c.2764C>T on transcript NM_017721.5 (MANE Select); coding-DNA position 2764, C replaced by T.
Protein change: p.Arg922Cys; replaces arginine 922 with cysteine.
Molecular consequence: missense variant.
Genome position (GRCh38, 1-based): chr19:13,930,131, C>T. VCF-style: chr19-13930131-C-T. GRCh37 (hg19) VCF-style: chr19-14040944-C-T.
Other names: short protein forms R922C.
Identifiers: ClinVar variation 210604 (VCV000210604.10), dbSNP rs199893133, ClinGen allele CA206936.